The following is an entry in ClinVar:

ClinVar aggregate classification (germline): Conflicting classifications of pathogenicity. Review status: criteria provided, conflicting classifications (1 of 4 stars). 3 submissions from 3 submitters: Likely pathogenic (1); Uncertain significance (2). Last evaluated 2026-02-03.

Conditions:
RORB-related disorder. Also called: RORB-related condition.
Seizure. Also called: Seizures. Identifiers: MedGen C0036572, HP:0001250.

Submissions (3):

Labcorp Genetics (formerly Invitae), Labcorp
Classification: Uncertain significance. Last evaluated: 2026-02-03. Review status: criteria provided, single submitter. Criteria: Invitae Variant Classification Sherloc (09022015). Collection method: clinical testing. Allele origin: germline.
Comment: This sequence change replaces isoleucine, which is neutral and non-polar, with asparagine, which is neutral and polar, at codon 388 of the RORB protein (p.Ile388Asn). This variant is not present in population databases (gnomAD no frequency). This variant has not been reported in the literature in individuals affected with RORB-related conditions. ClinVar contains an entry for this variant (Variation ID: 2626763). An algorithm developed to predict the effect of missense changes on protein structure and function (PolyPhen-2) suggests that this variant is likely to be disruptive. In summary, the available evidence is currently insufficient to determine the role of this variant in disease. Therefore, it has been classified as a Variant of Uncertain Significance.

PreventionGenetics, part of Exact Sciences
Classification: Uncertain significance for RORB-related condition. Last evaluated: 2023-01-18. Review status: criteria provided, single submitter. Criteria: ACMG Guidelines, 2015. Collection method: clinical testing. Allele origin: germline.
Comment: The RORB c.1163T>A variant is predicted to result in the amino acid substitution p.Ile388Asn. To our knowledge, this variant has not been reported in the literature or in a large population database, indicating this variant is rare. A different missense variant affecting the same residue (p.Ile388Phe) was segregating with the disease in one family with epilepsy and learning difficulties (Sadleir et al. 2020. PubMed ID: 32162308). At this time, the clinical significance of this variant is uncertain due to the absence of conclusive functional and genetic evidence.

Cytogénomique, Hospices Civils de Lyon
Classification: Likely pathogenic for seizures. Last evaluated: 2022-12-23. Review status: criteria provided, single submitter. Criteria: ACMG Guidelines, 2015. Collection method: clinical testing. Allele origin: unknown. Affected: yes. Observed: 1 variant allele, 1 heterozygote.

NM_006914.4(RORB):c.1163T>A (p.Ile388Asn)

Gene: RORB (RAR related orphan receptor B; plus strand). Cytogenetic location: 9q21.13.
Variant type: single nucleotide variant.
Coding change: c.1163T>A on transcript NM_006914.4 (MANE Select); coding-DNA position 1163, T replaced by A.
Protein change: p.Ile388Asn; replaces isoleucine 388 with asparagine.
Molecular consequence: missense variant.
Genome position (GRCh38, 1-based): chr9:74,671,840, T>A. VCF-style: chr9-74671840-T-A. GRCh37 (hg19) VCF-style: chr9-77286756-T-A.
Other names: c.1196T>A, p.Ile399Asn (NM_001365023.1); short protein forms I388N, I399N.
Identifiers: ClinVar variation 2626763 (VCV002626763.4), dbSNP rs2489648663, ClinGen allele CA373771706.